The following is an entry in ClinVar:

NM_033380.3(COL4A5):c.637G>C (p.Gly213Arg)

Gene: COL4A5 (collagen type IV alpha 5 chain; plus strand). Cytogenetic location: Xq22.3.
Variant type: single nucleotide variant.
Coding change: c.637G>C on transcript NM_033380.3 (MANE Select); coding-DNA position 637, G replaced by C.
Protein change: p.Gly213Arg; replaces glycine 213 with arginine.
Molecular consequence: missense variant.
Genome position (GRCh38, 1-based): chrX:108,577,979, G>C. VCF-style: chrX-108577979-G-C. GRCh37 (hg19) VCF-style: chrX-107821209-G-C.
Other names: c.637G>C, p.Gly213Arg (NM_000495.5); short protein forms G213R.
Identifiers: ClinVar variation 1066320 (VCV001066320.11), dbSNP rs267606310, ClinGen allele CA413923223.

ClinVar aggregate classification (germline): Pathogenic/Likely pathogenic. Review status: criteria provided, multiple submitters, no conflicts (2 of 4 stars). 3 submissions from 3 submitters: Pathogenic (1); Likely pathogenic (2). Last evaluated 2024-07-18.

Conditions:
X-linked Alport syndrome (ATS1). Also called: NEPHROPATHY AND DEAFNESS, X-LINKED; COL4A5-Related Nephropathy. Identifiers: Orphanet 63, Orphanet 88917, MedGen C4746986, MONDO:0010520, OMIM 301050.

Submissions (3):

Genetics laboratory, Institute of Kidney Diseases & Research Centre Dr. H.L. Trivedi Institute Of Transplantation Sciences
Classification: Pathogenic for X-linked Alport syndrome. Last evaluated: 2024-07-18. Review status: criteria provided, single submitter. Criteria: ACMG Guidelines, 2015. Collection method: clinical testing. Allele origin: germline. Inheritance: X-linked dominant inheritance. Affected: yes. Observed: 1 variant allele, 1 hemizygote.

Labcorp Genetics (formerly Invitae), Labcorp
Classification: Likely pathogenic. Last evaluated: 2022-07-12. Review status: criteria provided, single submitter. Criteria: Invitae Variant Classification Sherloc (09022015). Collection method: clinical testing. Allele origin: germline.
Comment: This missense change has been observed in individual(s) with Alport syndrome (Invitae). In summary, the currently available evidence indicates that the variant is pathogenic, but additional data are needed to prove that conclusively. Therefore, this variant has been classified as Likely Pathogenic. This variant disrupts the triple helix domain of COL4A5. Glycine residues within the Gly-Xaa-Yaa repeats of the triple helix domain are required for the structure and stability of fibrillar collagens (PMID: 7695699, 8218237, 19344236). In COL4A5, missense variants at these glycine residues are significantly enriched in individuals with disease (PMID: 23720012, 27627812) compared to the general population (ExAC). Advanced modeling of protein sequence and biophysical properties (such as structural, functional, and spatial information, amino acid conservation, physicochemical variation, residue mobility, and thermodynamic stability) performed at Invitae indicates that this missense variant is expected to disrupt COL4A5 protein function. ClinVar contains an entry for this variant (Variation ID: 1066320). This variant is not present in population databases (gnomAD no frequency). This sequence change replaces glycine, which is neutral and non-polar, with arginine, which is basic and polar, at codon 213 of the COL4A5 protein (p.Gly213Arg).

Fulgent Genetics
Classification: Likely pathogenic for X-linked Alport syndrome. Last evaluated: 2021-09-08. Review status: criteria provided, single submitter. Criteria: ACMG Guidelines, 2015. Collection method: clinical testing. Allele origin: unknown.

Literature cited by the submitters: PubMed 7695699 (cited by Labcorp Genetics (formerly Invitae), Labcorp); PubMed 8218237 (cited by Labcorp Genetics (formerly Invitae), Labcorp); PubMed 19344236 (cited by Labcorp Genetics (formerly Invitae), Labcorp); PubMed 23720012 (cited by Labcorp Genetics (formerly Invitae), Labcorp); PubMed 27627812 (cited by Labcorp Genetics (formerly Invitae), Labcorp).